The following is an entry in ClinVar:

ClinVar aggregate classification (germline): Uncertain significance (1 of 4 stars; one submission).

Submission:

Ambry Genetics
Classification: Uncertain significance. Last evaluated: 2026-05-17. Review status: criteria provided, single submitter. Criteria: Ambry Variant Classification Scheme 2023. Collection method: clinical testing. Allele origin: germline.
Comment: The p.F549I variant (also known as c.1645T>A), located in coding exon 12 of the RECQL gene, results from a T to A substitution at nucleotide position 1645. The phenylalanine at codon 549 is replaced by isoleucine, an amino acid with highly similar properties. This amino acid position is conserved. In addition, this alteration is predicted to be tolerated by in silico analysis. Based on the available evidence, the clinical significance of this variant remains unclear.

NM_002907.4(RECQL):c.1645T>A (p.Phe549Ile)

Gene: RECQL (RecQ like helicase; minus strand). Cytogenetic location: 12p12.1.
Variant type: single nucleotide variant.
Coding change: c.1645T>A on transcript NM_002907.4 (MANE Select); coding-DNA position 1645, T replaced by A.
Protein change: p.Phe549Ile; replaces phenylalanine 549 with isoleucine.
Molecular consequence: missense variant.
Genome position (GRCh38, 1-based): chr12:21,471,450, A>T on the plus strand (T>A on the coding strand, the complement: RECQL is on the minus strand). VCF-style: chr12-21471450-A-T. GRCh37 (hg19) VCF-style: chr12-21624384-A-T.
Other names: c.1645T>A, p.Phe549Ile (NM_032941.3); short protein forms F549I.
Identifiers: ClinVar variation 4863129 (VCV004863129.1).